The following is an entry in ClinVar:

ClinVar aggregate classification (germline): Uncertain significance (1 of 4 stars; one submission).

Conditions:
Chronic myeloid leukemia. Also called: Chronic myelogenous leukemia; Chronic myelogenous leukemia, BCR-ABL1 positive. Identifiers: Orphanet 521, MedGen C0279543, MeSH D015464, MONDO:0011996, OMIM 608232, HP:0005506.
Congenital heart defects and skeletal malformations syndrome. Identifiers: Orphanet 643503, MedGen C4539857, MONDO:0060532, OMIM 617602.

gnomAD v4.1: 9 of 1,614,188 alleles (0.00056%); highest among the groups gnomAD compares: South Asian, 0.0033%; no homozygotes.

Submission:

Juno Genomics, Hangzhou Juno Genomics, Inc
Classification: Uncertain significance for Congenital heart defects and skeletal malformations syndrome; Chronic myeloid leukemia. Review status: criteria provided, single submitter. Criteria: ACMG Guidelines, 2015. Collection method: clinical testing. Allele origin: germline.
Comment: Absent from controls (or at extremely low frequency if recessive) in Genome Aggregation Database.;Multiple lines of computational evidence support a deleterious effect on the gene or gene product.;Missense variant in a gene that has a low rate of benign missense variation.

NM_005157.6(ABL1):c.1322C>T (p.Pro441Leu)

Gene: ABL1 (ABL proto-oncogene 1, non-receptor tyrosine kinase; plus strand). Cytogenetic location: 9q34.12.
Variant type: single nucleotide variant.
Coding change: c.1322C>T on transcript NM_005157.6 (MANE Select); coding-DNA position 1322, C replaced by T.
Protein change: p.Pro441Leu; replaces proline 441 with leucine.
Molecular consequence: missense variant.
Genome position (GRCh38, 1-based): chr9:130,878,466, C>T. VCF-style: chr9-130878466-C-T. GRCh37 (hg19) VCF-style: chr9-133753853-C-T.
Other names: c.1379C>T, p.Pro460Leu (NM_007313.3); short protein forms P441L, P460L.
Identifiers: ClinVar variation 5019951 (VCV005019951.2).